The following is an entry in ClinVar:

NM_000051.4(ATM):c.1358C>T (p.Pro453Leu)

Gene: ATM (ATM serine/threonine kinase; plus strand). Cytogenetic location: 11q22.3.
Variant type: single nucleotide variant.
Coding change: c.1358C>T on transcript NM_000051.4 (MANE Select); coding-DNA position 1358, C replaced by T.
Protein change: p.Pro453Leu; replaces proline 453 with leucine.
Molecular consequence: missense variant.
Genome position (GRCh38, 1-based): chr11:108,250,823, C>T. VCF-style: chr11-108250823-C-T. GRCh37 (hg19) VCF-style: chr11-108121550-C-T.
Other names: NP_000042.3:p.Pro453Leu; c.1358C>T, p.Pro453Leu (NM_001351834.2); short protein forms P453L.
Identifiers: ClinVar variation 188175 (VCV000188175.16), dbSNP rs786204124, ClinGen allele CA334233.

ClinVar aggregate classification (germline): Uncertain significance. Review status: criteria provided, multiple submitters, no conflicts (2 of 4 stars). 5 submissions from 5 submitters: Uncertain significance (4). 1 of the submissions does not count toward it. Last evaluated 2025-12-09.

Conditions:
Hereditary breast ovarian cancer syndrome. Also called: Hereditary breast and ovarian cancer; Hereditary breast and ovarian cancer syndrome; Breast and ovarian cancer; Hereditary breast and ovarian cancer syndrome (HBOC); Hereditary breast and/or ovarian cancer syndrome; BRCA1- and BRCA2-Associated Hereditary Breast and Ovarian Cancer. Identifiers: Orphanet 145, MedGen C0677776, MeSH D061325, MONDO:0003582. Disease mechanism: loss of function.
Hereditary cancer-predisposing syndrome. Also called: Hereditary Cancer Syndrome; Neoplastic Syndromes, Hereditary; Tumor predisposition; Hereditary neoplastic syndrome. Identifiers: Orphanet 140162, MedGen C0027672, MeSH D009386, MONDO:0015356.
Ataxia-telangiectasia syndrome (AT). Also called: Ataxia-telangiectasia, complementation group D; AT, COMPLEMENTATION GROUP C; ATAXIA-TELANGIECTASIA, COMPLEMENTATION GROUP A; ATAXIA-TELANGIECTASIA, FRESNO VARIANT; Ataxia-telangiectasia; LOUIS-BAR SYNDROME. Identifiers: Orphanet 100, MedGen C0004135, MONDO:0008840, OMIM 208900.

Allele frequency attached by ClinVar (database versions not stated): gnomAD exomes below 0.00001; TOPMed below 0.00001.
gnomAD v4.1: 3 of 1,614,062 alleles (0.00019%); highest among the groups gnomAD compares: African/African-American, 0.0027%; no homozygotes.

Submissions (5):

Labcorp Genetics (formerly Invitae), Labcorp
Classification: Uncertain significance for Ataxia-telangiectasia syndrome. Last evaluated: 2025-12-09. Review status: criteria provided, single submitter. Criteria: Invitae Variant Classification Sherloc (09022015). Collection method: clinical testing. Allele origin: germline.
Comment: This sequence change replaces proline, which is neutral and non-polar, with leucine, which is neutral and non-polar, at codon 453 of the ATM protein (p.Pro453Leu). This variant is not present in population databases (gnomAD no frequency). This missense change has been observed in individual(s) with breast cancer (PMID: 35039564). ClinVar contains an entry for this variant (Variation ID: 188175). Invitae Evidence Modeling of protein sequence and biophysical properties (such as structural, functional, and spatial information, amino acid conservation, physicochemical variation, residue mobility, and thermodynamic stability) indicates that this missense variant is not expected to disrupt ATM protein function with a negative predictive value of 95%. In summary, the available evidence is currently insufficient to determine the role of this variant in disease. Therefore, it has been classified as a Variant of Uncertain Significance.

Mendelics
Classification: Uncertain significance. Last evaluated: 2022-05-04. Review status: criteria provided, single submitter. Criteria: Mendelics Assertion Criteria 2019. Collection method: clinical testing. Allele origin: germline.

National Health Laboratory Service, Universitas Academic Hospital and University of the Free State
Classification: Uncertain significance for Hereditary breast ovarian cancer syndrome. Last evaluated: 2022-04-19. Review status: criteria provided, single submitter. Criteria: ACMG Guidelines, 2015. Collection method: clinical testing. Allele origin: germline. Affected: yes. Observed: 1 variant allele.

Ambry Genetics
Classification: Uncertain significance for Hereditary cancer-predisposing syndrome. Last evaluated: 2020-02-24. Review status: criteria provided, single submitter. Criteria: Ambry Variant Classification Scheme 2023. Collection method: clinical testing. Allele origin: germline.
Comment: The p.P453L variant (also known as c.1358C>T), located in coding exon 9 of the ATM gene, results from a C to T substitution at nucleotide position 1358. The proline at codon 453 is replaced by leucine, an amino acid with similar properties. This amino acid position is highly conserved through mammals. In addition, this alteration is predicted to be tolerated by in silico analysis. Since supporting evidence is limited at this time, the clinical significance of this alteration remains unclear.

Natera, Inc.
Classification: Uncertain significance for Ataxia-telangiectasia. Last evaluated: 2020-09-16. Review status: no assertion criteria provided. Collection method: clinical testing. Allele origin: germline. Not counted in ClinVar's aggregate classification.

Literature cited by the submitters: PubMed 35039564 (cited by Labcorp Genetics (formerly Invitae), Labcorp).